The following is an entry in ClinVar:

NM_005120.3(MED12):c.4416-77CTCTT[9]

Gene: MED12 (mediator complex subunit 12; plus strand). Cytogenetic location: Xq13.1.
Variant type: Microsatellite.
Coding change: c.4416-77CTCTT[9] on transcript NM_005120.3 (MANE Select); nine copies in a row of the 5-base unit CTCTT starting at c.4416-77.
Molecular consequence: intron variant.
Genome position: GRCh38 VCF-style: chrX-71132767-CCTCTTCTCTTCTCTT-C. GRCh37 (hg19) VCF-style: chrX-70352617-CCTCTTCTCTTCTCTT-C.
Identifiers: ClinVar variation 3059906 (VCV003059906.2), dbSNP rs56658066, ClinGen allele CA330981959.

ClinVar aggregate classification (germline): Likely benign (0 of 4 stars; one submission).

Conditions:
MED12-Related Disorders. Also called: MED12-related disorder; MED12-related condition. Identifiers: MedGen CN381102.

Submission:

PreventionGenetics, part of Exact Sciences
Classification: Likely benign for MED12-related condition. Last evaluated: 2021-11-12. Review status: no assertion criteria provided. Collection method: clinical testing. Allele origin: germline.
Comment: This variant is classified as likely benign based on ACMG/AMP sequence variant interpretation guidelines (Richards et al. 2015 PMID: 25741868, with internal and published modifications).